The following is an entry in ClinVar:

ClinVar aggregate classification (germline): Likely benign (1 of 4 stars; one submission).

Conditions:
ARMC9-related disorder. Also called: ARMC9-related condition.

Submission:

PreventionGenetics, part of Exact Sciences
Classification: Likely benign for ARMC9-related condition. Last evaluated: 2020-08-10. Review status: criteria provided, single submitter. Criteria: ACMG Guidelines, 2015. Collection method: clinical testing. Allele origin: germline.
Comment: This variant is classified as likely benign based on ACMG/AMP sequence variant interpretation guidelines (Richards et al. 2015 PMID: 25741868, with internal and published modifications).

NM_001352754.2(ARMC9):c.2394C>T (p.Ser798=)

Gene: ARMC9 (armadillo repeat containing 9; plus strand). Cytogenetic location: 2q37.1.
Variant type: single nucleotide variant.
Coding change: c.2394C>T on transcript NM_001352754.2 (MANE Select); coding-DNA position 2394, C replaced by T.
Protein change: p.Ser798=; no amino-acid change (serine 798 retained).
Molecular consequence: synonymous variant.
Genome position (GRCh38, 1-based): chr2:231,370,085, C>T. VCF-style: chr2-231370085-C-T. GRCh37 (hg19) VCF-style: chr2-232234796-C-T.
Other names: c.2394C>T, p.Ser798= (NM_001271466.4).
Identifiers: ClinVar variation 3032769 (VCV003032769.1), dbSNP rs2470033379, ClinGen allele CA431742749.
Genomic context (GRCh38, chr2:231,370,085, plus strand): 5'-CAAGGCAAAGGCGTCAGTTCTGGCCCCTCTGTTCTCTTCGTGTGGCCCCCAGCAGGCCAG[C>T]CGCCCCGGCTCCACAGCGTCCTCCACAAGGGGCCTGCCGAGTAAGTCAGCCTGGGCCCCA-3'
Protein context (NP_001339683.2, residues 788-808): LFSSCGPQQA[Ser798=]RPGSTASSTR